The following is an entry in ClinVar:

ClinVar aggregate classification (germline): Likely pathogenic. Review status: criteria provided, multiple submitters, no conflicts (2 of 4 stars). 6 submissions from 6 submitters: Likely pathogenic (4). 2 of the submissions do not count toward it. Last evaluated 2025-01-23.

Conditions:
Primary familial dilated cardiomyopathy (FDC). Also called: Hypokinetic dilated cardiomyopathy, familial; Familial dilated cardiomyopathy. Identifiers: Orphanet 217607, MedGen C0340427, MONDO:0016333.
Autosomal recessive limb-girdle muscular dystrophy type 2J (LGMDR10). Also called: MUSCULAR DYSTROPHY, LIMB-GIRDLE, AUTOSOMAL RECESSIVE 10; Limb-girdle muscular dystrophy, type 2J. Identifiers: Orphanet 140922, MedGen C1837342, MONDO:0012127, OMIM 608807.
Dilated cardiomyopathy 1G (CMD1G). Identifiers: Orphanet 154, MedGen C1858763, MONDO:0011400, OMIM 604145.
Tibial muscular dystrophy (TMD). Also called: Tibial muscular dystrophy, tardive; Udd Distal Myopathy – Tibial Muscular Dystrophy; UDD MYOPATHY. Identifiers: Orphanet 609, MedGen C1838244, MONDO:0010870, OMIM 600334.

Submissions (6):

Women's Health and Genetics/Laboratory Corporation of America, LabCorp
Classification: Likely pathogenic for Primary familial dilated cardiomyopathy. Last evaluated: 2025-01-23. Review status: criteria provided, single submitter. Criteria: LabCorp Variant Classification Summary - May 2015. Collection method: clinical testing. Allele origin: germline.
Comment: Variant summary: TTN c.100163T>C (p.Leu33388Pro) results in a non-conservative amino acid change located in the M-band of the encoded protein sequence. Four of four in-silico tools predict a damaging effect of the variant on protein function. The variant was absent in 249212 control chromosomes. c.100163T>C has been reported in the literature in individuals affected with clinical features of tibial muscular dystrophy (Hackman_2002, Labcorp (formerly Invitae)). These data indicate that the variant is likely to be associated with disease. To our knowledge, no experimental evidence demonstrating an impact on protein function has been reported. The following publications have been ascertained in the context of this evaluation (PMID: 12145747). ClinVar contains an entry for this variant (Variation ID: 12653). Based on the evidence outlined above, the variant was classified as likely pathogenic.

GeneDx
Classification: Likely pathogenic. Last evaluated: 2023-09-13. Review status: criteria provided, single submitter. Criteria: GeneDx Variant Classification Process June 2021. Collection method: clinical testing. Allele origin: germline. Affected: yes.
Comment: Not observed at significant frequency in large population cohorts (gnomAD); Published functional studies suggest that when this variant is transfected in E.coli, there is decreased expression compared to wild type, as well as misfolding at all temperatures impairing M10 binding properties (Rudloff et al., 2015); In silico analysis supports that this missense variant has a deleterious effect on protein structure/function; Located in the M-line region of TTN; Also known as the French variant, L66P, and L33388P; This variant is associated with the following publications: (PMID: 25877298, 27854229, 12145747, 25739468)

Labcorp Genetics (formerly Invitae), Labcorp
Classification: Likely pathogenic for Dilated cardiomyopathy 1G; Autosomal recessive limb-girdle muscular dystrophy type 2J. Last evaluated: 2022-10-13. Review status: criteria provided, single submitter. Criteria: Invitae Variant Classification Sherloc (09022015). Collection method: clinical testing. Allele origin: germline.
Comment: This sequence change replaces leucine, which is neutral and non-polar, with proline, which is neutral and non-polar, at codon 35956 of the TTN protein (p.Leu35956Pro). This variant is not present in population databases (gnomAD no frequency). This missense change has been observed in individuals with clinical features of tibial muscular dystrophy (PMID: 12145747; Invitae). It has also been observed to segregate with disease in related individuals. This variant is also known as Leu>Pro mutation at position 293357 and L66P. ClinVar contains an entry for this variant (Variation ID: 12653). Algorithms developed to predict the effect of variants on protein structure and function are not available or were not evaluated for this variant. Experimental studies have shown that this missense change affects TTN function (PMID: 25739468). This variant is located in the M band of TTN (PMID: 25589632). Variants in this region may be relevant for neuromuscular disorders, but have not been definitively shown to cause cardiomyopathy (PMID: 23975875). In summary, the currently available evidence indicates that the variant is pathogenic, but additional data are needed to prove that conclusively. Therefore, this variant has been classified as Likely Pathogenic.

Revvity Omics, Revvity
Classification: Likely pathogenic. Last evaluated: 2021-04-14. Review status: criteria provided, single submitter. Criteria: ACMG Guidelines, 2015. Collection method: clinical testing. Allele origin: germline.

OMIM
Classification: Pathogenic for TIBIAL MUSCULAR DYSTROPHY, TARDIVE. Last evaluated: 2002-09-01. Review status: no assertion criteria provided. Collection method: literature only. Allele origin: germline. Not counted in ClinVar's aggregate classification.

GeneReviews
No classification provided. Condition: Tibial muscular dystrophy. Review status: no classification provided. Collection method: literature only. Allele origin: germline. Not counted in ClinVar's aggregate classification.

Literature cited by the submitters: PubMed 12145747 (cited by 4 submitters); PubMed 25739468 (cited by Labcorp Genetics (formerly Invitae), Labcorp); PubMed 25589632 (cited by Labcorp Genetics (formerly Invitae), Labcorp); PubMed 23975875 (cited by Labcorp Genetics (formerly Invitae), Labcorp); PubMed 20301498 (cited by GeneReviews).

NM_001267550.2(TTN):c.107867T>C (p.Leu35956Pro)

Genes: TTN (titin; minus strand), TTN-AS1 (TTN antisense RNA 1; plus strand). Cytogenetic location: 2q31.2.
Variant type: single nucleotide variant.
Coding change: c.107867T>C on transcript NM_001267550.2 (MANE Select); coding-DNA position 107867, T replaced by C.
Protein change: p.Leu35956Pro; replaces leucine 35956 with proline.
Molecular consequence: missense variant.
Genome position (GRCh38, 1-based): chr2:178,527,121, A>G on the plus strand (T>C on the coding strand, the complement: TTN is on the minus strand). VCF-style: chr2-178527121-A-G. GRCh37 (hg19) VCF-style: chr2-179391848-A-G.
Other names: AJ277892.2:g.293356T>C; c.102944T>C, p.Leu34315Pro (NM_001256850.1); c.80672T>C, p.Leu26891Pro (NM_003319.4); c.100163T>C, p.Leu33388Pro (NM_133378.4); c.81047T>C, p.Leu27016Pro (NM_133432.3); c.81248T>C, p.Leu27083Pro (NM_133437.4); c.107867T>C, p.Leu35956Pro (LRG_391t1); c.107867T>C (NM_001267550.1); short protein forms L34315P, L33388P, L35956P, L27016P, L26891P, L27083P.
Identifiers: ClinVar variation 12653 (VCV000012653.19), dbSNP rs267607156, ClinGen allele CA341209.